The following is an entry in ClinVar:

ClinVar aggregate classification (germline): Benign (0 of 4 stars; one submission).

Conditions:
DNAH2-related disorder. Also called: DNAH2-related condition.

Allele frequency attached by ClinVar (database versions not stated): 1000 Genomes Project 0.00679; 1000 Genomes Project 30x 0.00703; TOPMed 0.01364; gnomAD 0.01438 and 0.01464; ESP Exome Variant Server 0.01553; gnomAD exomes 0.01729; ExAC 0.01754.
gnomAD v4.1: 29,810 of 1,613,838 alleles (1.8%); highest among the groups gnomAD compares: Non-Finnish European, 2%; 324 homozygotes.

Submission:

PreventionGenetics, part of Exact Sciences
Classification: Benign for DNAH2-related condition. Last evaluated: 2019-02-18. Review status: no assertion criteria provided. Collection method: clinical testing. Allele origin: germline.
Comment: This variant is classified as benign based on ACMG/AMP sequence variant interpretation guidelines (Richards et al. 2015 PMID: 25741868, with internal and published modifications).

NM_020877.5(DNAH2):c.3637G>A (p.Glu1213Lys)

Gene: DNAH2 (dynein axonemal heavy chain 2; plus strand). Cytogenetic location: 17p13.1.
Variant type: single nucleotide variant.
Coding change: c.3637G>A on transcript NM_020877.5 (MANE Select); coding-DNA position 3637, G replaced by A.
Protein change: p.Glu1213Lys; replaces glutamic acid 1213 with lysine.
Molecular consequence: missense variant.
Genome position (GRCh38, 1-based): chr17:7,766,443, G>A. VCF-style: chr17-7766443-G-A. GRCh37 (hg19) VCF-style: chr17-7669761-G-A.
Other names: c.3637G>A (NM_020877.3); short protein forms E1213K.
Identifiers: ClinVar variation 1342861 (VCV001342861.3), dbSNP rs35788701, ClinGen allele CA8356840.